The following is an entry in ClinVar:

NM_006904.7(PRKDC):c.3479C>A (p.Ser1160Tyr)

Gene: PRKDC (protein kinase, DNA-activated, catalytic subunit; minus strand). Cytogenetic location: 8q11.21.
Variant type: single nucleotide variant.
Coding change: c.3479C>A on transcript NM_006904.7 (MANE Select); coding-DNA position 3479, C replaced by A.
Protein change: p.Ser1160Tyr; replaces serine 1160 with tyrosine.
Molecular consequence: missense variant.
Genome position (GRCh38, 1-based): chr8:47,897,280, G>T on the plus strand (C>A on the coding strand, the complement: PRKDC is on the minus strand). VCF-style: chr8-47897280-G-T. GRCh37 (hg19) VCF-style: chr8-48809840-G-T.
Other names: c.3479C>A, p.Ser1160Tyr (NM_001081640.2); short protein forms S1160Y.
Identifiers: ClinVar variation 1731812 (VCV001731812.2), dbSNP rs767391191, ClinGen allele CA4741162.

ClinVar aggregate classification (germline): Uncertain significance (1 of 4 stars; one submission).

Allele frequency attached by ClinVar (database versions not stated): gnomAD exomes below 0.00001; TOPMed below 0.00001; ExAC 0.00001.
gnomAD v4.1: 2 of 1,595,098 alleles (0.00013%); highest among the groups gnomAD compares: Non-Finnish European, 0.00017%; no homozygotes.

Submission:

Ambry Genetics
Classification: Uncertain significance. Last evaluated: 2021-11-14. Review status: criteria provided, single submitter. Criteria: Ambry Variant Classification Scheme 2023. Collection method: clinical testing. Allele origin: germline.
Comment: The p.S1160Y variant (also known as c.3479C>A), located in coding exon 30 of the PRKDC gene, results from a C to A substitution at nucleotide position 3479. The serine at codon 1160 is replaced by tyrosine, an amino acid with dissimilar properties. This amino acid position is conserved. In addition, this alteration is predicted to be tolerated by in silico analysis. Since supporting evidence is limited at this time, the clinical significance of this alteration remains unclear.